The following is an entry in ClinVar:

NM_000540.3(RYR1):c.10467G>A (p.Ser3489=)

Gene: RYR1 (ryanodine receptor 1; plus strand). Cytogenetic location: 19q13.2.
Variant type: single nucleotide variant.
Coding change: c.10467G>A on transcript NM_000540.3 (MANE Select); coding-DNA position 10467, G replaced by A.
Protein change: p.Ser3489=; no amino-acid change (serine 3489 retained).
Molecular consequence: synonymous variant.
Genome position (GRCh38, 1-based): chr19:38,525,343, G>A. VCF-style: chr19-38525343-G-A. GRCh37 (hg19) VCF-style: chr19-39015983-G-A.
Other names: c.10452G>A, p.Ser3484= (NM_001042723.2).
Identifiers: ClinVar variation 571722 (VCV000571722.28), dbSNP rs751798987, ClinGen allele CA079904.

ClinVar aggregate classification (germline): Likely benign. Review status: criteria provided, multiple submitters, no conflicts (2 of 4 stars). 5 submissions from 5 submitters: Likely benign (5). Last evaluated 2025-12-26.

Conditions:
RYR1-related disorder. Also called: RYR1-related condition; RYR1-related disorders. Identifiers: MedGen CN239331.
Malignant hyperthermia, susceptibility to, 1 (MHS1). Also called: Anesthesia related hyperthermia; Malignant hyperpyrexia; Fulminating hyperpyrexia; Pharmacogenic myopathy; RYR1-Related Malignant Hyperthermia Susceptibility; Malignant hyperthermia suceptibility 1. Identifiers: Orphanet 423, MedGen C2930980, MONDO:0007783, OMIM 145600.

Allele frequency attached by ClinVar (database versions not stated): TOPMed below 0.00001; gnomAD 0.00001; ExAC 0.00002.
gnomAD v4.1: 19 of 1,613,808 alleles (0.0012%); highest among the groups gnomAD compares: East Asian, 0.0067%; no homozygotes.

Submissions (5):

Women's Health and Genetics/Laboratory Corporation of America, LabCorp
Classification: Likely benign. Last evaluated: 2025-12-26. Review status: criteria provided, single submitter. Criteria: LabCorp Variant Classification Summary - May 2015. Collection method: clinical testing. Allele origin: germline.

Labcorp Genetics (formerly Invitae), Labcorp
Classification: Likely benign for RYR1-related disorder. Last evaluated: 2025-06-30. Review status: criteria provided, single submitter. Criteria: Invitae Variant Classification Sherloc (09022015). Collection method: clinical testing. Allele origin: germline.

CeGaT Center for Human Genetics Tuebingen
Classification: Likely benign. Last evaluated: 2024-09-01. Review status: criteria provided, single submitter. Criteria: CeGaT Center For Human Genetics Tuebingen Variant Classification Criteria Version 2. Collection method: clinical testing. Allele origin: germline. Affected: yes. Observed: 1 variant allele.
Comment: RYR1: BP4, BP7

All of Us Research Program, National Institutes of Health
Classification: Likely benign for Malignant hyperthermia, susceptibility to, 1. Last evaluated: 2024-05-14. Review status: criteria provided, single submitter. Criteria: ACMG Guidelines, 2015. Collection method: clinical testing. Allele origin: germline. Inheritance: Autosomal dominant inheritance. Observed: 6 variant alleles, 6 heterozygotes.
Comment: This study involves interpretation of variants in research participants for the purpose of population health screening. Participant phenotype was not available at the time of variant classification. Additional details can be found in publication PMID: 35346344, PMCID: PMC8962531

Color Diagnostics, LLC DBA Color Health
Classification: Likely benign for Malignant hyperthermia, susceptibility to, 1. Last evaluated: 2022-12-07. Review status: criteria provided, single submitter. Criteria: ACMG Guidelines, 2015. Collection method: clinical testing. Allele origin: germline.